The following is an entry in ClinVar:

ClinVar aggregate classification (germline): Benign. Review status: criteria provided, multiple submitters, no conflicts (2 of 4 stars). 3 submissions from 3 submitters: Benign (2). 1 of the submissions does not count toward it. Last evaluated 2021-11-29.

Allele frequency attached by ClinVar (database versions not stated): 1000 Genomes Project 0.01138; 1000 Genomes Project 30x 0.01187; gnomAD 0.02403 and 0.02479; ExAC 0.02671; gnomAD exomes 0.02730; TOPMed 0.02498; ESP Exome Variant Server 0.03122.
gnomAD v4.1: 50,219 of 1,613,938 alleles (3.1%); highest among the groups gnomAD compares: Middle Eastern, 5.8%; 987 homozygotes.

Submissions (3):

Mayo Clinic Laboratories, Mayo Clinic
Classification: Benign. Last evaluated: 2021-11-29. Review status: criteria provided, single submitter. Criteria: ACMG Guidelines, 2015. Collection method: clinical testing. Allele origin: germline. Observed: 15 variant alleles.

Breakthrough Genomics
Classification: Benign. Review status: criteria provided, single submitter. Criteria: ACMG Guidelines, 2015. Collection method: not provided. Allele origin: germline. Inheritance: Autosomal dominant inheritance. Affected: yes.

Genetic Services Laboratory, University of Chicago
Classification: Likely benign for AllHighlyPenetrant. Review status: no assertion criteria provided. Collection method: clinical testing. Allele origin: germline. Inheritance: Autosomal dominant inheritance. Not counted in ClinVar's aggregate classification.
Comment: Likely benign based on allele frequency in 1000 Genomes Project or ESP global frequency and its presence in a patient with a rare or unrelated disease phenotype. NOT Sanger confirmed.

NM_001940.4(ATN1):c.1647G>A (p.Leu549=)

Gene: ATN1 (atrophin 1; plus strand). Cytogenetic location: 12p13.31.
Variant type: single nucleotide variant.
Coding change: c.1647G>A on transcript NM_001940.4 (MANE Select); coding-DNA position 1647, G replaced by A.
Protein change: p.Leu549=; no amino-acid change (leucine 549 retained).
Molecular consequence: synonymous variant.
Genome position (GRCh38, 1-based): chr12:6,936,914, G>A. VCF-style: chr12-6936914-G-A. GRCh37 (hg19) VCF-style: chr12-7046077-G-A.
Other names: p.Leu549=; c.1647G>A, p.Leu549= (NM_001007026.2).
Identifiers: ClinVar variation 128461 (VCV000128461.8), dbSNP rs11547602, ClinGen allele CA151938.
Genomic context (GRCh38, chr12:6,936,914, plus strand): 5'-TTACGCCATGTCTCCCTCCCTGGGGTCTCTGAGGCCCTACCCACCAGGGCCAGCACACCT[G>A]CCCCCACCTCACAGCCAGGTGTCCTACAGCCAAGCAGGCCCCAATGGCCCTCCAGTCTCT-3'
Protein context (NP_001931.2, residues 539-559): LRPYPPGPAH[Leu549=]PPPHSQVSYS